The following is an entry in ClinVar:

ClinVar aggregate classification (germline): Uncertain significance (1 of 4 stars; one submission).

Submission:

Ambry Genetics
Classification: Uncertain significance. Last evaluated: 2024-10-18. Review status: criteria provided, single submitter. Criteria: Ambry Variant Classification Scheme 2023. Collection method: clinical testing. Allele origin: germline.
Comment: The p.A2P variant (also known as c.4G>C), located in coding exon 1 of the RECQL gene, results from a G to C substitution at nucleotide position 4. The alanine at codon 2 is replaced by proline, an amino acid with highly similar properties. This amino acid position is conserved. In addition, this alteration is predicted to be tolerated by in silico analysis. Based on the available evidence, the clinical significance of this variant remains unclear.

NM_002907.4(RECQL):c.4G>C (p.Ala2Pro)

Gene: RECQL (RecQ like helicase; minus strand). Cytogenetic location: 12p12.1.
Variant type: single nucleotide variant.
Coding change: c.4G>C on transcript NM_002907.4 (MANE Select); coding-DNA position 4, G replaced by C.
Protein change: p.Ala2Pro; replaces alanine 2 with proline.
Molecular consequence: missense variant.
Genome position (GRCh38, 1-based): chr12:21,499,567, C>G on the plus strand (G>C on the coding strand, the complement: RECQL is on the minus strand). VCF-style: chr12-21499567-C-G. GRCh37 (hg19) VCF-style: chr12-21652501-C-G.
Other names: c.4G>C, p.Ala2Pro (NM_032941.3); short protein forms A2P.
Identifiers: ClinVar variation 3431764 (VCV003431764.1).
Genomic context (GRCh38, chr12:21,499,567, plus strand): 5'-ACAGAAATAGAACAGAAGGAAGAAGAAAATGTAATCATTGCTACTAACCTGAAACGGACG[C>G]CATTCTTTTTCTTTCCAAATTTGTTTCTAAAATAATCCAAATTTCTTTCTAAAAATAAAA-3'
Protein context (NP_002898.2, residues 1-12): M[Ala2Pro]SVSALTEELD